The following is an entry in ClinVar:

ClinVar aggregate classification (germline): Uncertain significance (1 of 4 stars; one submission).

Conditions:
Nephrotic syndrome. Identifiers: MedGen C0027726, MONDO:0005377, HP:0000100.

Allele frequency attached by ClinVar (database versions not stated): TOPMed below 0.00001; gnomAD 0.00001.
gnomAD v4.1: 1 of 1,167,439 alleles (0.000086%); highest among the groups gnomAD compares: Non-Finnish European, 0.00011%; no homozygotes.

Submission:

Broad Center for Mendelian Genomics, Broad Institute of MIT and Harvard
Classification: Uncertain significance for Nephrotic syndrome. Last evaluated: 2020-05-28. Review status: criteria provided, single submitter. Criteria: ACMG Guidelines, 2015. Collection method: research. Allele origin: germline. Inheritance: X-linked inheritance.
Comment: This variant was absent from large population studies. Computational prediction tools, including splice predictors, and conservation analyses suggest that this variant may not impact the protein, though this information is not predictive enough to rule out pathogenicity. In vitro functional studies provide some evidence that the p.Phe439Cys variant may slightly impact protein function (PMID: 31732614). However, these types of assays may not accurately represent biological function. In summary, the clinical significance of the p.Phe439Cys variant is uncertain. ACMG/AMP Criteria applied: PM2, BP4, PS3_supporting (Richards 2015).

Literature cited by the submitters: PubMed 31732614.

NM_017752.3(TBC1D8B):c.1316T>G (p.Phe439Cys)

Gene: TBC1D8B (TBC1 domain family member 8B; plus strand). Cytogenetic location: Xq22.3.
Variant type: single nucleotide variant.
Coding change: c.1316T>G on transcript NM_017752.3 (MANE Select); coding-DNA position 1316, T replaced by G.
Protein change: p.Phe439Cys; replaces phenylalanine 439 with cysteine.
Molecular consequence: missense variant.
Genome position (GRCh38, 1-based): chrX:106,839,420, T>G. VCF-style: chrX-106839420-T-G. GRCh37 (hg19) VCF-style: chrX-106082650-T-G.
Other names: c.1316T>G, p.Phe439Cys (NM_198881.2); short protein forms F439C.
Identifiers: ClinVar variation 977139 (VCV000977139.1), dbSNP rs1223251037, ClinGen allele CA413801152.